The following is an entry in ClinVar:

NM_020693.4(DSCAML1):c.4712A>G (p.Tyr1571Cys)

Gene: DSCAML1 (DS cell adhesion molecule like 1; minus strand). Cytogenetic location: 11q23.3.
Variant type: single nucleotide variant.
Coding change: c.4712A>G on transcript NM_020693.4 (MANE Select); coding-DNA position 4712, A replaced by G.
Protein change: p.Tyr1571Cys; replaces tyrosine 1571 with cysteine.
Molecular consequence: missense variant.
Genome position (GRCh38, 1-based): chr11:117,437,130, T>C on the plus strand (A>G on the coding strand, the complement: DSCAML1 is on the minus strand). VCF-style: chr11-117437130-T-C. GRCh37 (hg19) VCF-style: chr11-117307846-T-C.
Other names: short protein forms Y1571C.
Identifiers: ClinVar variation 2020142 (VCV002020142.4), dbSNP rs2542992581, ClinGen allele CA382757616.

ClinVar aggregate classification (germline): Uncertain significance (1 of 4 stars; one submission).

Submission:

Labcorp Genetics (formerly Invitae), Labcorp
Classification: Uncertain significance. Last evaluated: 2023-05-22. Review status: criteria provided, single submitter. Criteria: Invitae Variant Classification Sherloc (09022015). Collection method: clinical testing. Allele origin: germline.
Comment: In summary, the available evidence is currently insufficient to determine the role of this variant in disease. Therefore, it has been classified as a Variant of Uncertain Significance. An algorithm developed to predict the effect of missense changes on protein structure and function (PolyPhen-2) suggests that this variant is likely to be disruptive. ClinVar contains an entry for this variant (Variation ID: 2020142). This variant has not been reported in the literature in individuals affected with DSCAML1-related conditions. This variant is not present in population databases (gnomAD no frequency). This sequence change replaces tyrosine, which is neutral and polar, with cysteine, which is neutral and slightly polar, at codon 1631 of the DSCAML1 protein (p.Tyr1631Cys).